The following is an entry in ClinVar:

ClinVar aggregate classification (germline): Uncertain significance. Review status: criteria provided, multiple submitters, no conflicts (2 of 4 stars). 6 submissions from 6 submitters: Uncertain significance (6). Last evaluated 2025-12-17.

Conditions:
Hereditary cancer-predisposing syndrome. Also called: Neoplastic Syndromes, Hereditary; Tumor predisposition; Hereditary Cancer Syndrome; Hereditary neoplastic syndrome. Identifiers: Orphanet 140162, MedGen C0027672, MeSH D009386, MONDO:0015356.
Familial cancer of breast. Also called: BREAST CANCER, FAMILIAL; hereditary breast carcinoma; Hereditary breast cancer. Identifiers: Orphanet 227535, MedGen C0346153, MONDO:0016419, OMIM 114480. Disease mechanism: loss of function.

Submissions (6):

Labcorp Genetics (formerly Invitae), Labcorp
Classification: Uncertain significance for Familial cancer of breast. Last evaluated: 2025-12-17. Review status: criteria provided, single submitter. Criteria: Invitae Variant Classification Sherloc (09022015). Collection method: clinical testing. Allele origin: germline.
Comment: This variant, c.246_260dup, results in the insertion of 5 amino acid(s) of the CHEK2 protein (p.Asp82_Glu86dup), but otherwise preserves the integrity of the reading frame. This variant is present in population databases (no rsID available, gnomAD 0.007%). This variant has not been reported in the literature in individuals affected with CHEK2-related conditions. Experimental studies and prediction algorithms are not available or were not evaluated, and the functional significance of this variant is currently unknown. In summary, the available evidence is currently insufficient to determine the role of this variant in disease. Therefore, it has been classified as a Variant of Uncertain Significance.

Color Diagnostics, LLC DBA Color Health
Classification: Uncertain significance for Hereditary cancer-predisposing syndrome. Last evaluated: 2025-12-10. Review status: criteria provided, single submitter. Criteria: ACMG Guidelines, 2015. Collection method: clinical testing. Allele origin: germline.
Comment: This variant causes an in-frame duplication of 5 amino acids at amino acids 82 to 86 of the CHEK2 protein. To our knowledge, functional studies have not been reported for this variant. This variant has been reported in an individual affected with ovarian cancer in the literature (PMID: 28541631). This variant has been identified in 23/1614070 chromosomes in the general population by the Genome Aggregation Database (gnomAD). The available evidence is insufficient to determine the role of this variant in disease conclusively. Therefore, this variant is classified as a Variant of Uncertain Significance.

Center for Genomic Medicine, Rigshospitalet, Copenhagen University Hospital
Classification: Uncertain significance. Last evaluated: 2025-03-04. Review status: criteria provided, single submitter. Criteria: ACMG Guidelines, 2015. Collection method: clinical testing. Allele origin: germline.

GeneDx
Classification: Uncertain significance. Last evaluated: 2025-02-19. Review status: criteria provided, single submitter. Criteria: GeneDx Variant Classification Process June 2021. Collection method: clinical testing. Allele origin: germline. Affected: yes.
Comment: Not observed at significant frequency in large population cohorts (gnomAD); In-frame duplication of 5 amino acid(s) in a repetitive region with no known function; Reported in an individual with renal cysts, cerebral infarction, and adrenal and abdominal tumors in published literature (PMID: 34630562); A similar variant, reported as CHEK2 c.260_261insCCAGAGCCTGAGGA, was observed in an individual with a personal history of ovarian cancer (PMID: 28541631); This variant is associated with the following publications: (PMID: 34630562, 28541631)

Ambry Genetics
Classification: Uncertain significance for Hereditary cancer-predisposing syndrome. Last evaluated: 2025-01-21. Review status: criteria provided, single submitter. Criteria: Ambry Variant Classification Scheme 2023. Collection method: clinical testing. Allele origin: germline.
Comment: The c.246_260dup15 variant (also known as p.D82_E86dup) located in coding exon 1 of the CHEK2 gene, results from an in-frame 15 nucleotide duplication at positions 246 to 260. This results in the duplication of 5 amino acid residues at positions 82 through 86. This amino acid region is well conserved in available vertebrate species. In addition, the in silico prediction for this alteration is inconclusive (Choi Y et al. PLoS ONE. 2012; 7(10):e46688). Based on the available evidence, the clinical significance of this variant remains unclear.

Quest Diagnostics Nichols Institute San Juan Capistrano
Classification: Uncertain significance. Last evaluated: 2019-12-23. Review status: criteria provided, single submitter. Criteria: Quest Diagnostics criteria. Collection method: clinical testing. Allele origin: unknown.

Literature cited by the submitters: PubMed 28541631 (cited by Color Diagnostics, LLC DBA Color Health).

NM_007194.4(CHEK2):c.231CCAAGAACCTGAGGA[3] (p.Glu86_Glu87insAspGlnGluProGlu)

Gene: CHEK2 (checkpoint kinase 2; minus strand). Cytogenetic location: 22q12.1.
Variant type: Microsatellite.
Coding change: c.231CCAAGAACCTGAGGA[3] on transcript NM_007194.4 (MANE Select); three copies in a row of the 15-base unit CCAAGAACCTGAGGA starting at c.231; the reference has two copies in a row; one copy, 15 bases duplicated; also written c.246_260dup.
Protein change: p.Glu86_Glu87insAspGlnGluProGlu.
Molecular consequence: inframe insertion. On other transcripts: inframe indel (3).
Genome position (GRCh38, 1-based): chr22:28,734,462-28,734,476, TCCTCAGGTTCTTGG duplicated on the plus strand (CCAAGAACCTGAGGA on the coding strand, the reverse complement: CHEK2 is on the minus strand); duplicating any 15 consecutive bases within chr22:28,734,462-28,734,499 gives the same sequence; the position shown is the placement nearest the transcript's 3' end. VCF-style (leftmost placement, unchanged base first): chr22-28734461-C-CTCCTCAGGTTCTTGG. GRCh37 (hg19) VCF-style: chr22-29130449-C-CTCCTCAGGTTCTTGG.
Other names: c.223_237CCTGAGGACCAAGAA[3], p.Glu86_Glu87insAspGlnGluProGlu (NM_001005735.3, NM_001349956.3, NM_145862.3); c.-555_-541CCTGAGGACCAAGAA[3] (NM_001257387.3); c.246_260dupCCAAGAACCTGAGGA (NM_007194.4); c.246_260dup (NM_007194.4).
Identifiers: ClinVar variation 232721 (VCV000232721.26), dbSNP rs587780181, ClinGen allele CA10581106.